The following is an entry in ClinVar:

ClinVar aggregate classification (germline): Pathogenic. Review status: criteria provided, multiple submitters, no conflicts (2 of 4 stars). 2 submissions from 2 submitters: Pathogenic (2). Last evaluated 2025-05-23.

Conditions:
Primary ciliary dyskinesia 14. Also called: CILIARY DYSKINESIA, PRIMARY, 14, WITH OR WITHOUT SITUS INVERSUS. Identifiers: Orphanet 244, MedGen C3151136, MONDO:0013434, OMIM 613807.
Primary ciliary dyskinesia. Also called: Ciliary dyskinesia. Identifiers: Orphanet 244, MedGen C0008780, MONDO:0016575, HP:0012265.

Allele frequency attached by ClinVar (database versions not stated): gnomAD 0.00001.
gnomAD v4.1: 9 of 1,611,402 alleles (0.00056%); highest among the groups gnomAD compares: East Asian, 0.02%; no homozygotes.

Submissions (2):

Labcorp Genetics (formerly Invitae), Labcorp
Classification: Pathogenic for Primary ciliary dyskinesia. Last evaluated: 2025-05-23. Review status: criteria provided, single submitter. Criteria: Invitae Variant Classification Sherloc (09022015). Collection method: clinical testing. Allele origin: germline.
Comment: This sequence change creates a premature translational stop signal (p.Gln410*) in the CCDC39 gene. It is expected to result in an absent or disrupted protein product. Loss-of-function variants in CCDC39 are known to be pathogenic (PMID: 21131972, 23255504). This variant is not present in population databases (gnomAD no frequency). This variant has not been reported in the literature in individuals affected with CCDC39-related conditions. ClinVar contains an entry for this variant (Variation ID: 2910073). Algorithms developed to predict the effect of sequence changes on RNA splicing suggest that this variant may disrupt the consensus splice site. For these reasons, this variant has been classified as Pathogenic.

Juno Genomics, Hangzhou Juno Genomics, Inc
Classification: Pathogenic for Primary ciliary dyskinesia 14. Review status: criteria provided, single submitter. Criteria: ACMG Guidelines, 2015. Collection method: clinical testing. Allele origin: germline.
Comment: Absent from controls (or at extremely low frequency if recessive) in Genome Aggregation Database.;Null variant in a gene where loss of function (LOF) is a known mechanism of disease.;For recessive disorders, detected in trans with a pathogenic variant.

Literature cited by the submitters: PubMed 21131972 (cited by Labcorp Genetics (formerly Invitae), Labcorp); PubMed 23255504 (cited by Labcorp Genetics (formerly Invitae), Labcorp).

NM_181426.2(CCDC39):c.1228C>T (p.Gln410Ter)

Gene: CCDC39 (coiled-coil domain 39 molecular ruler complex subunit; minus strand). Cytogenetic location: 3q26.33.
Variant type: single nucleotide variant.
Coding change: c.1228C>T on transcript NM_181426.2 (MANE Select); coding-DNA position 1228, C replaced by T.
Protein change: p.Gln410Ter; replaces glutamine 410 with a stop codon.
Molecular consequence: nonsense.
Genome position (GRCh38, 1-based): chr3:180,648,299, G>A on the plus strand (C>T on the coding strand, the complement: CCDC39 is on the minus strand). VCF-style: chr3-180648299-G-A. GRCh37 (hg19) VCF-style: chr3-180366087-G-A.
Other names: short protein forms Q410*.
Identifiers: ClinVar variation 2910073 (VCV002910073.5), dbSNP rs897771164, ClinGen allele CA88644763.